The following is an entry in ClinVar:

NM_006012.4(CLPP):c.556-9G>A

Gene: CLPP (caseinolytic mitochondrial matrix peptidase proteolytic subunit; plus strand). Cytogenetic location: 19p13.3.
Variant type: single nucleotide variant.
Coding change: c.556-9G>A on transcript NM_006012.4 (MANE Select); 9 bases into the intron before coding-DNA position 556, G replaced by A.
Molecular consequence: intron variant.
Genome position (GRCh38, 1-based): chr19:6,366,249, G>A. VCF-style: chr19-6366249-G-A. GRCh37 (hg19) VCF-style: chr19-6366260-G-A.
Identifiers: ClinVar variation 668246 (VCV000668246.4), dbSNP rs191414755, ClinGen allele CA9122965.
Genomic context (GRCh38, chr19:6,366,249, plus strand): 5'-CCAGCCTCCCTGTGAGGGGCTGACGCCGATACCAACCTTTACCCCCTCACTCCCTTGGAC[G>A]TCCCTCAGGGCCAAGCCACAGACATTGCCATCCAGGCAGAGGAGATCATGAAGCTCAAGA-3'

ClinVar aggregate classification (germline): Likely benign. Review status: criteria provided, multiple submitters, no conflicts (2 of 4 stars). 2 submissions from 2 submitters: Likely benign (2). Last evaluated 2025-08-24.

Allele frequency attached by ClinVar (database versions not stated): 1000 Genomes Project 0.00040; ESP Exome Variant Server 0.00008; gnomAD exomes 0.00009 and 0.00010; ExAC 0.00019; 1000 Genomes Project 30x 0.00031; TOPMed 0.00005; gnomAD 0.00002 and 0.00005.
gnomAD v4.1: 131 of 1,600,552 alleles (0.0082%); highest among the groups gnomAD compares: East Asian, 0.14%; no homozygotes.

Submissions (2):

Labcorp Genetics (formerly Invitae), Labcorp
Classification: Likely benign. Last evaluated: 2025-08-24. Review status: criteria provided, single submitter. Criteria: Invitae Variant Classification Sherloc (09022015). Collection method: clinical testing. Allele origin: germline.

GeneDx
Classification: Likely benign. Last evaluated: 2018-05-16. Review status: criteria provided, single submitter. Criteria: GeneDx Variant Classification (06012015). Collection method: clinical testing. Allele origin: germline. Affected: yes.
Comment: This variant is considered likely benign or benign based on one or more of the following criteria: it is a conservative change, it occurs at a poorly conserved position in the protein, it is predicted to be benign by multiple in silico algorithms, and/or has population frequency not consistent with disease.